The following is an entry in ClinVar:

ClinVar aggregate classification (germline): Pathogenic (1 of 4 stars; one submission).

Conditions:
Spastic paraplegia. Identifiers: MedGen C0037772, HP:0001258.
Combined oxidative phosphorylation defect type 7. Identifiers: Orphanet 254930, MedGen C3150801, MONDO:0013306, OMIM 613559.

Submission:

Labcorp Genetics (formerly Invitae), Labcorp
Classification: Pathogenic for Combined oxidative phosphorylation defect type 7; Spastic paraplegia. Last evaluated: 2019-02-05. Review status: criteria provided, single submitter. Criteria: Invitae Variant Classification Sherloc (09022015). Collection method: clinical testing. Allele origin: germline.
Comment: For these reasons, this variant has been classified as Pathogenic. Loss-of-function variants in C12orf65 are known to be pathogenic (PMID: 20598281, 24424123). This variant has not been reported in the literature in individuals with C12orf65-related conditions. This variant is not present in population databases (ExAC no frequency). This sequence change creates a premature translational stop signal (p.Pro12Thrfs*46) in the C12orf65 gene. It is expected to result in an absent or disrupted protein product.

Literature cited by the submitters: PubMed 20598281; PubMed 24424123.

NM_152269.5(MTRFR):c.33dup (p.Pro12fs)

Gene: MTRFR (mitochondrial translation release factor in rescue; plus strand). Cytogenetic location: 12q24.31.
Variant type: Duplication.
Coding change: c.33dup on transcript NM_152269.5 (MANE Select); coding-DNA position 33, one base duplicated (A; older notation c.33dupA).
Protein change: p.Pro12fs; shifts the reading frame from proline 12.
Molecular consequence: frameshift variant.
Genome position (GRCh38, 1-based): chr12:123,253,707, A duplicated. VCF-style (leftmost placement, unchanged base first): chr12-123253706-C-CA. GRCh37 (hg19) VCF-style: chr12-123738253-C-CA.
Other names: c.33dup, p.Pro12fs (NM_001143905.2, NM_001194995.1); short protein forms P12fs.
Identifiers: ClinVar variation 859045 (VCV000859045.7), dbSNP rs2048143498, ClinGen allele CA916083339.